The following is an entry in ClinVar:

NM_002470.4(MYH3):c.3718T>A (p.Ser1240Thr)

Gene: MYH3 (myosin heavy chain 3; minus strand). Cytogenetic location: 17p13.1.
Variant type: single nucleotide variant.
Coding change: c.3718T>A on transcript NM_002470.4 (MANE Select); coding-DNA position 3718, T replaced by A.
Protein change: p.Ser1240Thr; replaces serine 1240 with threonine.
Molecular consequence: missense variant.
Genome position (GRCh38, 1-based): chr17:10,638,054, A>T on the plus strand (T>A on the coding strand, the complement: MYH3 is on the minus strand). VCF-style: chr17-10638054-A-T. GRCh37 (hg19) VCF-style: chr17-10541371-A-T.
Other names: short protein forms S1240T.
Identifiers: ClinVar variation 886057 (VCV000886057.10), dbSNP rs752510156, ClinGen allele CA8392449.

ClinVar aggregate classification (germline): Conflicting classifications of pathogenicity. Review status: criteria provided, conflicting classifications (1 of 4 stars). 4 submissions from 3 submitters: Uncertain significance (2); Benign (1); Likely benign (1). Last evaluated 2023-06-16.

Conditions:
Inborn genetic diseases. Identifiers: MedGen C0950123, MeSH D030342.
Freeman-Sheldon syndrome (DA2A). Also called: CRANIOCARPOTARSAL DYSPLASIA; CRANIOCARPOTARSAL DYSTROPHY; WHISTLING FACE-WINDMILL VANE HAND SYNDROME; Arthrogryposis, distal, type 2A (Freeman-Sheldon). Identifiers: Orphanet 2053, MedGen C0265224, MONDO:0008675, OMIM 193700.
Distal arthrogryposis type 2B1 (DA2B1). Also called: Arthrogryposis multiplex congenita distal type II with craniofacial abnormalities. Identifiers: Orphanet 1147, MedGen C5193014, MONDO:0020820, OMIM 601680.

Allele frequency attached by ClinVar (database versions not stated): gnomAD below 0.00001 and 0.00001; gnomAD exomes 0.00004 and 0.00009; ExAC 0.00009.
gnomAD v4.1: 59 of 1,613,634 alleles (0.0037%); highest among the groups gnomAD compares: South Asian, 0.065%; 1 homozygote.

Submissions (4):

Ambry Genetics
Classification: Uncertain significance for Inborn genetic diseases. Last evaluated: 2023-06-16. Review status: criteria provided, single submitter. Criteria: Ambry Variant Classification Scheme 2023. Collection method: clinical testing. Allele origin: germline.

Labcorp Genetics (formerly Invitae), Labcorp
Classification: Likely benign. Last evaluated: 2022-12-21. Review status: criteria provided, single submitter. Criteria: Invitae Variant Classification Sherloc (09022015). Collection method: clinical testing. Allele origin: germline.

Illumina Laboratory Services, Illumina
Classification: Benign for Freeman-Sheldon syndrome. Last evaluated: 2018-01-12. Review status: criteria provided, single submitter. Criteria: ICSL Variant Classification Criteria 13 December 2019. Collection method: clinical testing. Allele origin: germline.
Comment: This variant was observed in the ICSL laboratory as part of a predisposition screen in an ostensibly healthy population. It had not been previously curated by ICSL or reported in the Human Gene Mutation Database (HGMD: prior to June 1st, 2018), and was therefore a candidate for classification through an automated scoring system. Utilizing variant allele frequency, disease prevalence and penetrance estimates, and inheritance mode, an automated score was calculated to assess if this variant is too frequent to cause the disease. Based on the score and internal cut-off values, a variant classified as benign is not then subjected to further curation. The score for this variant resulted in a classification of benign for this disease.

Illumina Laboratory Services, Illumina
Classification: Uncertain significance for Distal arthrogryposis type 2B1. Last evaluated: 2018-01-12. Review status: criteria provided, single submitter. Criteria: ICSL Variant Classification Criteria 13 December 2019. Collection method: clinical testing. Allele origin: germline.